The following is an entry in ClinVar:

ClinVar aggregate classification (germline): Likely benign. Review status: criteria provided, multiple submitters, no conflicts (2 of 4 stars). 3 submissions from 3 submitters: Likely benign (2). 1 of the submissions does not count toward it. Last evaluated 2026-01-20.

Conditions:
MVK-related disorder. Also called: MVK-related disorders; MVK-related condition. Identifiers: MedGen CN239294.
Mevalonic aciduria (MEVA). Identifiers: Orphanet 29, MedGen C1959626, MONDO:0012481, OMIM 610377.
Hyperimmunoglobulin D with periodic fever (HIDS). Also called: HYPERIMMUNOGLOBULINEMIA D AND PERIODIC FEVER SYNDROME; Hyperimmunoglobulinemia D with periodic fever; Hyperimmunoglobulinemia D. Identifiers: Orphanet 343, MedGen C0398691, MONDO:0009849, OMIM 260920.
Porokeratosis 3, disseminated superficial actinic type (POROK3). Also called: POROKERATOSIS, DISSEMINATED SUPERFICIAL ACTINIC, 1; POROKERATOSIS 3, MULTIPLE TYPES; POROKERATOSIS 3, MIBELLI TYPE. Identifiers: MedGen C1867981, MONDO:0008293, OMIM 175900.

Allele frequency attached by ClinVar (database versions not stated): gnomAD exomes 0.00006 and 0.00002; ExAC 0.00010; 1000 Genomes Project 0.00020; 1000 Genomes Project 30x 0.00031; gnomAD 0.00001.
gnomAD v4.1: 34 of 1,614,214 alleles (0.0021%); highest among the groups gnomAD compares: South Asian, 0.036%; no homozygotes.

Submissions (3):

Labcorp Genetics (formerly Invitae), Labcorp
Classification: Likely benign for Mevalonic aciduria; Hyperimmunoglobulin D with periodic fever; Porokeratosis 3, disseminated superficial actinic type. Last evaluated: 2026-01-20. Review status: criteria provided, single submitter. Criteria: Invitae Variant Classification Sherloc (09022015). Collection method: clinical testing. Allele origin: germline.

ARUP Laboratories, Molecular Genetics and Genomics, ARUP Laboratories
Classification: Likely benign. Last evaluated: 2023-08-07. Review status: criteria provided, single submitter. Criteria: ARUP Molecular Germline Variant Investigation Process 2024. Collection method: clinical testing. Allele origin: germline.

PreventionGenetics, part of Exact Sciences
Classification: Likely benign for MVK-related condition. Last evaluated: 2019-08-28. Review status: no assertion criteria provided. Collection method: clinical testing. Allele origin: germline. Not counted in ClinVar's aggregate classification.
Comment: This variant is classified as likely benign based on ACMG/AMP sequence variant interpretation guidelines (Richards et al. 2015 PMID: 25741868, with internal and published modifications).

NM_000431.4(MVK):c.855C>T (p.Ala285=)

Gene: MVK (mevalonate kinase; plus strand). Cytogenetic location: 12q24.11.
Variant type: single nucleotide variant.
Coding change: c.855C>T on transcript NM_000431.4 (MANE Select); coding-DNA position 855, C replaced by T.
Protein change: p.Ala285=; no amino-acid change (alanine 285 retained).
Molecular consequence: synonymous variant.
Genome position (GRCh38, 1-based): chr12:109,591,327, C>T. VCF-style: chr12-109591327-C-T. GRCh37 (hg19) VCF-style: chr12-110029132-C-T.
Other names: c.855C>T, p.Ala285= (NM_001114185.3); c.699C>T, p.Ala233= (NM_001301182.2); c.855C>T (NM_000431.3).
Identifiers: ClinVar variation 1135076 (VCV001135076.12), dbSNP rs550696805, ClinGen allele CA6779393.
Genomic context (GRCh38, chr12:109,591,327, plus strand): 5'-GACCTCAATAGATGCCATCTCCCTGGAGTGTGAGCGCGTGCTGGGAGAGATGGGGGAAGC[C>T]CCAGCCCCGGAGCAGTACCTCGTGCTGGAAGTAAGAGCCTGTCTGCAGGAACCGGGGTTA-3'
Protein context (NP_000422.1, residues 275-295): CERVLGEMGE[Ala285=]PAPEQYLVLE